The following is an entry in ClinVar:

ClinVar aggregate classification (germline): Uncertain significance. Review status: criteria provided, multiple submitters, no conflicts (2 of 4 stars). 3 submissions from 3 submitters: Uncertain significance (3). Last evaluated 2025-08-17.

Allele frequency attached by ClinVar (database versions not stated): ExAC 0.00001; gnomAD exomes 0.00001 and 0.00003; TOPMed 0.00001.
gnomAD v4.1: 16 of 1,613,666 alleles (0.00099%); highest among the groups gnomAD compares: East Asian, 0.02%; no homozygotes.

Submissions (3):

Labcorp Genetics (formerly Invitae), Labcorp
Classification: Uncertain significance. Last evaluated: 2025-08-17. Review status: criteria provided, single submitter. Criteria: Invitae Variant Classification Sherloc (09022015). Collection method: clinical testing. Allele origin: germline.
Comment: This sequence change replaces alanine, which is neutral and non-polar, with threonine, which is neutral and polar, at codon 525 of the IMPDH1 protein (p.Ala525Thr). This variant is present in population databases (rs367951647, gnomAD 0.03%). This variant has not been reported in the literature in individuals affected with IMPDH1-related conditions. ClinVar contains an entry for this variant (Variation ID: 449198). An algorithm developed to predict the effect of missense changes on protein structure and function (PolyPhen-2) suggests that this variant is likely to be disruptive. In summary, the available evidence is currently insufficient to determine the role of this variant in disease. Therefore, it has been classified as a Variant of Uncertain Significance.

Blueprint Genetics
Classification: Uncertain significance. Last evaluated: 2022-06-13. Review status: criteria provided, single submitter. Criteria: ACMG Guidelines, 2015. Collection method: clinical testing. Allele origin: germline.

GeneDx
Classification: Uncertain significance. Last evaluated: 2016-08-26. Review status: criteria provided, single submitter. Criteria: GeneDx Variant Classification (06012015). Collection method: clinical testing. Allele origin: germline. Affected: yes.
Comment: The A525T variant in the IMPDH1 gene has not been published as a pathogenic variant, nor has it been reported as a benign variant to our knowledge. The A525T variant was not observed in approximately 6,500 individuals of European and African American ancestry in an external variant database, indicating it is not a common benign variant in these populations. The A525T variant is a non-conservative amino acid substitution, which is likely to impact secondary protein structure as these residues differ in polarity, charge, size and/or other properties. This substitution occurs at a position that is conserved in mammals. In silico analysis predicts this variant is probably damaging to the protein structure/function. We interpret A525T as a variant of uncertain significance.

NM_000883.4(IMPDH1):c.1573G>A (p.Ala525Thr)

Gene: IMPDH1 (inosine monophosphate dehydrogenase 1; minus strand). Cytogenetic location: 7q32.1.
Variant type: single nucleotide variant.
Coding change: c.1573G>A on transcript NM_000883.4 (MANE Select); coding-DNA position 1573, G replaced by A.
Protein change: p.Ala525Thr; replaces alanine 525 with threonine.
Molecular consequence: missense variant.
Genome position (GRCh38, 1-based): chr7:128,394,577, C>T on the plus strand (G>A on the coding strand, the complement: IMPDH1 is on the minus strand). VCF-style: chr7-128394577-C-T. GRCh37 (hg19) VCF-style: chr7-128034631-C-T.
Other names: c.1543G>A, p.Ala515Thr (NM_001102605.2); c.1318G>A, p.Ala440Thr (NM_001142573.2); c.1303G>A, p.Ala435Thr (NM_001142574.2); c.1243G>A, p.Ala415Thr (NM_001142575.2); c.1474G>A, p.Ala492Thr (NM_001142576.2); c.1366G>A, p.Ala456Thr (NM_001304521.2); c.1465G>A, p.Ala489Thr (NM_183243.3); short protein forms A525T, A415T, A440T, A489T, A435T, A456T, A515T, A492T.
Identifiers: ClinVar variation 449198 (VCV000449198.11), dbSNP rs367951647, ClinGen allele CA4470784.